The following is an entry in ClinVar:

NM_014252.4(SLC25A15):c.397C>T (p.Arg133Trp)

Gene: SLC25A15 (solute carrier family 25 member 15; plus strand). Cytogenetic location: 13q14.11.
Variant type: single nucleotide variant.
Coding change: c.397C>T on transcript NM_014252.4 (MANE Select); coding-DNA position 397, C replaced by T.
Protein change: p.Arg133Trp; replaces arginine 133 with tryptophan.
Molecular consequence: missense variant.
Genome position (GRCh38, 1-based): chr13:40,805,200, C>T. VCF-style: chr13-40805200-C-T. GRCh37 (hg19) VCF-style: chr13-41379336-C-T.
Other names: short protein forms R133W.
Identifiers: ClinVar variation 1434130 (VCV001434130.7), dbSNP rs573469049, ClinGen allele CA6959713.

ClinVar aggregate classification (germline): Uncertain significance. Review status: criteria provided, multiple submitters, no conflicts (2 of 4 stars). 3 submissions from 3 submitters: Uncertain significance (3). Last evaluated 2022-11-24.

Conditions:
Hyperornithinemia-hyperammonemia-homocitrullinuria syndrome (HHHS). Also called: Ornithine translocase deficiency; HHH SYNDROME. Identifiers: Orphanet 415, MedGen C0268540, MONDO:0009393, OMIM 238970.

Allele frequency attached by ClinVar (database versions not stated): TOPMed below 0.00001; gnomAD exomes 0.00001 and 0.00003; ExAC 0.00002; gnomAD 0.00002 and 0.00003; 1000 Genomes Project 30x 0.00016; 1000 Genomes Project 0.00020.
gnomAD v4.1: 42 of 1,614,092 alleles (0.0026%); highest among the groups gnomAD compares: East Asian, 0.0045%; no homozygotes.

Submissions (3):

Blueprint Genetics
Classification: Uncertain significance. Last evaluated: 2022-11-24. Review status: criteria provided, single submitter. Criteria: ACMG Guidelines, 2015. Collection method: clinical testing. Allele origin: germline.

Labcorp Genetics (formerly Invitae), Labcorp
Classification: Uncertain significance for Hyperornithinemia-hyperammonemia-homocitrullinuria syndrome. Last evaluated: 2022-07-19. Review status: criteria provided, single submitter. Criteria: Invitae Variant Classification Sherloc (09022015). Collection method: clinical testing. Allele origin: germline.
Comment: This sequence change replaces arginine, which is basic and polar, with tryptophan, which is neutral and slightly polar, at codon 133 of the SLC25A15 protein (p.Arg133Trp). This variant is present in population databases (rs573469049, gnomAD 0.003%). This variant has not been reported in the literature in individuals affected with SLC25A15-related conditions. ClinVar contains an entry for this variant (Variation ID: 1434130). Algorithms developed to predict the effect of missense changes on protein structure and function are either unavailable or do not agree on the potential impact of this missense change (SIFT: "Deleterious"; PolyPhen-2: "Probably Damaging"; Align-GVGD: "Class C0"). In summary, the available evidence is currently insufficient to determine the role of this variant in disease. Therefore, it has been classified as a Variant of Uncertain Significance.

Fulgent Genetics
Classification: Uncertain significance for Hyperornithinemia-hyperammonemia-homocitrullinuria syndrome. Last evaluated: 2021-11-15. Review status: criteria provided, single submitter. Criteria: ACMG Guidelines, 2015. Collection method: clinical testing. Allele origin: unknown.